The following is an entry in ClinVar:

ClinVar aggregate classification (germline): Uncertain significance. Review status: criteria provided, multiple submitters, no conflicts (2 of 4 stars). 3 submissions from 3 submitters: Uncertain significance (3). Last evaluated 2024-08-20.

gnomAD v4.1: 97 of 1,527,746 alleles (0.0063%); highest among the groups gnomAD compares: Middle Eastern, 0.07%; no homozygotes.

Submissions (3):

Ambry Genetics
Classification: Uncertain significance. Last evaluated: 2024-08-20. Review status: criteria provided, single submitter. Criteria: Ambry Variant Classification Scheme 2023. Collection method: clinical testing. Allele origin: germline.

Women's Health and Genetics/Laboratory Corporation of America, LabCorp
Classification: Uncertain significance. Last evaluated: 2024-07-30. Review status: criteria provided, single submitter. Criteria: LabCorp Variant Classification Summary - May 2015. Collection method: clinical testing. Allele origin: germline.
Comment: Variant summary: FAT2 c.12538G>C (p.Val4180Leu) results in a conservative amino acid change in the encoded protein sequence. Five of five in-silico tools predict a benign effect of the variant on protein function. The variant allele was found at a frequency of 2.9e-05 in 172284 control chromosomes. The available data on variant occurrences in the general population are insufficient to allow any conclusion about variant significance. To our knowledge, no occurrence of c.12538G>C in individuals affected with Spinocerebellar Ataxia 45 and no experimental evidence demonstrating its impact on protein function have been reported. ClinVar contains an entry for this variant (Variation ID: 2637550). Based on the evidence outlined above, the variant was classified as uncertain significance.

Labcorp Genetics (formerly Invitae), Labcorp
Classification: Uncertain significance. Last evaluated: 2023-12-11. Review status: criteria provided, single submitter. Criteria: Invitae Variant Classification Sherloc (09022015). Collection method: clinical testing. Allele origin: germline.
Comment: This sequence change replaces valine, which is neutral and non-polar, with leucine, which is neutral and non-polar, at codon 4180 of the FAT2 protein (p.Val4180Leu). This variant is present in population databases (rs778271634, gnomAD 0.006%). This variant has not been reported in the literature in individuals affected with FAT2-related conditions. An algorithm developed to predict the effect of missense changes on protein structure and function (PolyPhen-2) suggests that this variant¬†is likely to be tolerated. In summary, the available evidence is currently insufficient to determine the role of this variant in disease. Therefore, it has been classified as a Variant of Uncertain Significance.

NM_001447.3(FAT2):c.12538G>C (p.Val4180Leu)

Genes: FAT2 (FAT atypical cadherin 2; minus strand), SLC36A1 (solute carrier family 36 member 1; plus strand). Cytogenetic location: 5q33.1.
Variant type: single nucleotide variant.
Coding change: c.12538G>C on transcript NM_001447.3 (MANE Select); coding-DNA position 12538, G replaced by C.
Protein change: p.Val4180Leu; replaces valine 4180 with leucine.
Molecular consequence: missense variant.
Genome position (GRCh38, 1-based): chr5:151,506,077, C>G on the plus strand (G>C on the coding strand, the complement: FAT2 is on the minus strand). VCF-style: chr5-151506077-C-G. GRCh37 (hg19) VCF-style: chr5-150885638-C-G.
Other names: c.12538G>C (NM_001447.2); short protein forms V4180L.
Identifiers: ClinVar variation 2637550 (VCV002637550.4), dbSNP rs778271634, ClinGen allele CA3519734.